The following is an entry in ClinVar:

ClinVar aggregate classification (germline): Uncertain significance. Review status: criteria provided, multiple submitters, no conflicts (2 of 4 stars). 4 submissions from 4 submitters: Uncertain significance (4). Last evaluated 2025-08-26.

Conditions:
TSPEAR-related disorder. Also called: TSPEAR-related condition.
Inborn genetic diseases. Identifiers: MedGen C0950123, MeSH D030342.

Allele frequency attached by ClinVar (database versions not stated): TOPMed 0.00017; gnomAD 0.00016.
gnomAD v4.1: 151 of 1,565,322 alleles (0.0096%); highest among the groups gnomAD compares: African/African-American, 0.031%; no homozygotes.

Submissions (4):

Ambry Genetics
Classification: Uncertain significance for Inborn genetic diseases. Last evaluated: 2025-08-26. Review status: criteria provided, single submitter. Criteria: Ambry Variant Classification Scheme 2023. Collection method: clinical testing. Allele origin: germline.

PreventionGenetics, part of Exact Sciences
Classification: Uncertain significance for TSPEAR-related condition. Last evaluated: 2024-11-07. Review status: criteria provided, single submitter. Criteria: ACMG Guidelines, 2015. Collection method: clinical testing. Allele origin: germline.
Comment: The TSPEAR c.2006G>A variant is predicted to result in the amino acid substitution p.Arg669His. To our knowledge, this variant has not been reported in the literature. This variant is reported in 0.027% of alleles in individuals of African descent in gnomAD. At this time, the clinical significance of this variant is uncertain due to the absence of conclusive functional and genetic evidence.

Labcorp Genetics (formerly Invitae), Labcorp
Classification: Uncertain significance. Last evaluated: 2023-12-21. Review status: criteria provided, single submitter. Criteria: Invitae Variant Classification Sherloc (09022015). Collection method: clinical testing. Allele origin: germline.
Comment: This sequence change replaces arginine, which is basic and polar, with histidine, which is basic and polar, at codon 669 of the TSPEAR protein (p.Arg669His). This variant is present in population databases (rs184873531, gnomAD 0.02%). This variant has not been reported in the literature in individuals affected with TSPEAR-related conditions. ClinVar contains an entry for this variant (Variation ID: 1313657). An algorithm developed to predict the effect of missense changes on protein structure and function (PolyPhen-2) suggests that this variant is likely to be disruptive. In summary, the available evidence is currently insufficient to determine the role of this variant in disease. Therefore, it has been classified as a Variant of Uncertain Significance.

GeneDx
Classification: Uncertain significance. Last evaluated: 2021-10-19. Review status: criteria provided, single submitter. Criteria: GeneDx Variant Classification Process June 2021. Collection method: clinical testing. Allele origin: germline. Affected: yes.
Comment: In silico analysis supports that this missense variant does not alter protein structure/function; Has not been previously published as pathogenic or benign to our knowledge

NM_144991.3(TSPEAR):c.2006G>A (p.Arg669His)

Gene: TSPEAR (thrombospondin type laminin G domain and EAR repeats; minus strand). Cytogenetic location: 21q22.3.
Variant type: single nucleotide variant.
Coding change: c.2006G>A on transcript NM_144991.3 (MANE Select); coding-DNA position 2006, G replaced by A.
Protein change: p.Arg669His; replaces arginine 669 with histidine.
Molecular consequence: missense variant.
Genome position (GRCh38, 1-based): chr21:44,499,787, C>T on the plus strand (G>A on the coding strand, the complement: TSPEAR is on the minus strand). VCF-style: chr21-44499787-C-T. GRCh37 (hg19) VCF-style: chr21-45919670-C-T.
Other names: c.1802G>A, p.Arg601His (NM_001272037.2); short protein forms R601H, R669H.
Identifiers: ClinVar variation 1313657 (VCV001313657.11), dbSNP rs184873531, ClinGen allele CA10056227.
Genomic context (GRCh38, chr21:44,499,787, plus strand): 5'-GGTGCTGGGGTCCCGCCCCACCTGGCCACCCCAGTTGCTGCCGGGCAGCCGCGGCCTCAG[C>T]GTGTCCTCAGCCGCAGGACCCTGGAGAGGGGCTCCTTGGCGCTGGAGTAGATGAGGTAGG-3'
Protein context (NP_659428.2, residues 659-669): PLSRVLRLRT[Arg669His]